The following is an entry in ClinVar:

NM_182760.4(SUMF1):c.1004T>C (p.Met335Thr)

Gene: SUMF1 (sulfatase modifying factor 1; minus strand). Cytogenetic location: 3p26.1.
Variant type: single nucleotide variant.
Coding change: c.1004T>C on transcript NM_182760.4 (MANE Select); coding-DNA position 1004, T replaced by C.
Protein change: p.Met335Thr; replaces methionine 335 with threonine.
Molecular consequence: missense variant. On other transcripts: intron variant (1).
Genome position (GRCh38, 1-based): chr3:4,376,340, A>G on the plus strand (T>C on the coding strand, the complement: SUMF1 is on the minus strand). VCF-style: chr3-4376340-A-G. GRCh37 (hg19) VCF-style: chr3-4418024-A-G.
Other names: c.929T>C, p.Met310Thr (NM_001164674.2); c.955-14086T>C (NM_001164675.2); short protein forms M335T, M310T.
Identifiers: ClinVar variation 1447896 (VCV001447896.3), dbSNP rs767157911, ClinGen allele CA2230368.

ClinVar aggregate classification (germline): Uncertain significance (1 of 4 stars; one submission).

Conditions:
Multiple sulfatase deficiency (MSD). Also called: Mucosulfatidosis; Multiple Sulfatase Deficiency Disease; Sulfatidosis, Juvenile, Austin Type. Identifiers: Orphanet 585, MedGen C0268263, MONDO:0010088, OMIM 272200.

Allele frequency attached by ClinVar (database versions not stated): TOPMed below 0.00001; ExAC 0.00002; gnomAD exomes 0.00002 and 0.00003.
gnomAD v4.1: 17 of 1,614,180 alleles (0.0011%); highest among the groups gnomAD compares: East Asian, 0.038%; no homozygotes.

Submission:

Labcorp Genetics (formerly Invitae), Labcorp
Classification: Uncertain significance for Multiple sulfatase deficiency. Last evaluated: 2022-07-26. Review status: criteria provided, single submitter. Criteria: Invitae Variant Classification Sherloc (09022015). Collection method: clinical testing. Allele origin: germline.
Comment: This sequence change replaces methionine, which is neutral and non-polar, with threonine, which is neutral and polar, at codon 335 of the SUMF1 protein (p.Met335Thr). This variant is present in population databases (rs767157911, gnomAD 0.03%). This variant has not been reported in the literature in individuals affected with SUMF1-related conditions. ClinVar contains an entry for this variant (Variation ID: 1447896). Algorithms developed to predict the effect of missense changes on protein structure and function are either unavailable or do not agree on the potential impact of this missense change (SIFT: "Deleterious"; PolyPhen-2: "Probably Damaging"; Align-GVGD: "Class C0"). In summary, the available evidence is currently insufficient to determine the role of this variant in disease. Therefore, it has been classified as a Variant of Uncertain Significance.